The following is an entry in ClinVar:

ClinVar aggregate classification (germline): Uncertain significance (1 of 4 stars; one submission).

Conditions:
Familial hypobetalipoproteinemia 1. Also called: APOB-Related Familial Hypobetalipoproteinemia; Hypobetalipoproteinemia, normotriglyceridemic; Acanthocytosis with hypobetalipoproteinemia. Identifiers: MedGen C4551990, MONDO:0014252, OMIM 615558.
Hypercholesterolemia, autosomal dominant, type B (FHCL2). Also called: APOB-Related Familial Hypercholesterolemia, Autosomal Dominant; Familial hypercholesterolemia 2; Familial Hypercholesterolemia Type B; APOLIPOPROTEIN B-100, FAMILIAL DEFECTIVE; APOLIPOPROTEIN B-100, FAMILIAL LIGAND-DEFECTIVE; HYPERCHOLESTEROLEMIA, FAMILIAL, DUE TO LIGAND-DEFECTIVE APOLIPOPROTEIN B. Identifiers: MedGen C1704417, MONDO:0007751, OMIM 144010.

gnomAD v4.1: 2 of 1,351,416 alleles (0.00015%); highest among the groups gnomAD compares: Non-Finnish European, 0.00019%; no homozygotes.

Submission:

Labcorp Genetics (formerly Invitae), Labcorp
Classification: Uncertain significance for Familial hypobetalipoproteinemia 1; Hypercholesterolemia, autosomal dominant, type B. Last evaluated: 2025-04-18. Review status: criteria provided, single submitter. Criteria: Invitae Variant Classification Sherloc (09022015). Collection method: clinical testing. Allele origin: germline.
Comment: This sequence change replaces proline, which is neutral and non-polar, with arginine, which is basic and polar, at codon 3 of the APOB protein (p.Pro3Arg). This variant is not present in population databases (gnomAD no frequency). This variant has not been reported in the literature in individuals affected with APOB-related conditions. Invitae Evidence Modeling of protein sequence and biophysical properties (such as structural, functional, and spatial information, amino acid conservation, physicochemical variation, residue mobility, and thermodynamic stability) indicates that this missense variant is not expected to disrupt APOB protein function with a negative predictive value of 95%. In summary, the available evidence is currently insufficient to determine the role of this variant in disease. Therefore, it has been classified as a Variant of Uncertain Significance.

NM_000384.3(APOB):c.8C>G (p.Pro3Arg)

Genes: APOB (apolipoprotein B; minus strand), LOC106560211 (APOB 5' regulatory region; plus strand). Cytogenetic location: 2p24.1.
Variant type: single nucleotide variant.
Coding change: c.8C>G on transcript NM_000384.3 (MANE Select); coding-DNA position 8, C replaced by G.
Protein change: p.Pro3Arg; replaces proline 3 with arginine.
Molecular consequence: missense variant.
Genome position (GRCh38, 1-based): chr2:21,043,938, G>C on the plus strand (C>G on the coding strand, the complement: APOB is on the minus strand). VCF-style: chr2-21043938-G-C. GRCh37 (hg19) VCF-style: chr2-21266810-G-C.
Other names: short protein forms P3R.
Identifiers: ClinVar variation 4783320 (VCV004783320.1).